The following is an entry in ClinVar:

NM_016648.4(LARP7):c.690_699delinsTCCAAGCCAATAGACAATATCCAAGCC (p.Lys230_Asn233delinsAsnProSerGlnTer)

Genes: LARP7 (La ribonucleoprotein 7, transcriptional regulator; plus strand), MIR302CHG (miR-302/367 cluster host gene; minus strand). Cytogenetic location: 4q25.
Variant type: Indel.
Coding change: c.690_699delinsTCCAAGCCAATAGACAATATCCAAGCC on transcript NM_016648.4 (MANE Select); coding-DNA positions 690 to 699, GGAAGACAAT replaced by TCCAAGCCAATAGACAATATCCAAGCC.
Protein change: p.Lys230_Asn233delinsAsnProSerGlnTer.
Molecular consequence: nonsense.
Genome position (GRCh38, 1-based): chr4:112,647,242-112,647,251, GGAAGACAAT replaced by TCCAAGCCAATAGACAATATCCAAGCC. GRCh37 (hg19): chr4:113,568,398-113,568,407.
Other names: c.690_699delinsTCCAAGCCAATAGACAATATCCAAGCC, p.Lys230_Asn233delinsAsnProSerGlnTer (NM_001267039.4, NM_001370974.1, NM_001370975.1 and 2 more transcripts); c.687_696delinsTCCAAGCCAATAGACAATATCCAAGCC, p.Lys229_Asn232delinsAsnProSerGlnTer (NM_001370976.1, NM_001370977.1, NM_001370979.1 and 1 more transcripts); c.453_462delinsTCCAAGCCAATAGACAATATCCAAGCC, p.Lys151_Asn154delinsAsnProSerGlnTer (NM_001370981.1, NM_001370982.1).
Identifiers: ClinVar variation 1526263 (VCV001526263.8), dbSNP rs2149265753, ClinGen allele CA2573137966.

ClinVar aggregate classification (germline): Pathogenic. Review status: criteria provided, single submitter (1 of 4 stars). 2 submissions from 2 submitters: Pathogenic (1). 1 of the submissions does not count toward it. Last evaluated 2025-07-16.

Conditions:
Microcephalic primordial dwarfism, Alazami type. Also called: FACIAL DYSMORPHISM, INTELLECTUAL DISABILITY, AND PRIMORDIAL DWARFISM; Alazami syndrome. Identifiers: Orphanet 319671, MedGen C3554439, MONDO:0014031, OMIM 615071.

Submissions (2):

Labcorp Genetics (formerly Invitae), Labcorp
Classification: Pathogenic. Last evaluated: 2025-07-16. Review status: criteria provided, single submitter. Criteria: Invitae Variant Classification Sherloc (09022015). Collection method: clinical testing. Allele origin: germline.
Comment: This sequence change creates a premature translational stop signal (p.Lys230Asnfs*5) in the LARP7 gene. It is expected to result in an absent or disrupted protein product. Loss-of-function variants in LARP7 are known to be pathogenic (PMID: 22865833, 26374271, 26607181). This variant is not present in population databases (gnomAD no frequency). This variant has not been reported in the literature in individuals affected with LARP7-related conditions. For these reasons, this variant has been classified as Pathogenic.

Clinical Genetics Service, Universitary Hospital 12 de Octubre
Classification: Pathogenic for Microcephalic primordial dwarfism, Alazami type. Last evaluated: 2022-03-28. Review status: no assertion criteria provided. Collection method: clinical testing. Allele origin: paternal. Inheritance: Autosomal recessive inheritance. Affected: yes. Observed: 1 compound heterozygote. Not counted in ClinVar's aggregate classification.
Comment: Segregation analysis showed compound heterozygous with pathogenic c.834dup variant.

Literature cited by the submitters: PubMed 22865833 (cited by Labcorp Genetics (formerly Invitae), Labcorp); PubMed 26374271 (cited by Labcorp Genetics (formerly Invitae), Labcorp); PubMed 26607181 (cited by Labcorp Genetics (formerly Invitae), Labcorp).